The following is an entry in ClinVar:

ClinVar aggregate classification (germline): Uncertain significance (1 of 4 stars; one submission).

Allele frequency attached by ClinVar (database versions not stated): gnomAD 0.00001 and 0.00002; gnomAD exomes 0.00001 and 0.00002; ExAC 0.00002.
gnomAD v4.1: 16 of 1,614,040 alleles (0.00099%); highest among the groups gnomAD compares: Non-Finnish European, 0.0011%; no homozygotes.

Submission:

Labcorp Genetics (formerly Invitae), Labcorp
Classification: Uncertain significance. Last evaluated: 2021-10-29. Review status: criteria provided, single submitter. Criteria: Invitae Variant Classification Sherloc (09022015). Collection method: clinical testing. Allele origin: germline.
Comment: This sequence change falls in intron 6 of the MYO5B gene. It does not directly change the encoded amino acid sequence of the MYO5B protein. It affects a nucleotide within the consensus splice site. The frequency data for this variant in the population databases is considered unreliable, as metrics indicate poor data quality at this position in the gnomAD database. This variant has not been reported in the literature in individuals affected with MYO5B-related conditions. Variants that disrupt the consensus splice site are a relatively common cause of aberrant splicing (PMID: 17576681, 9536098). Algorithms developed to predict the effect of sequence changes on RNA splicing suggest that this variant may disrupt the consensus splice site. In summary, the available evidence is currently insufficient to determine the role of this variant in disease. Therefore, it has been classified as a Variant of Uncertain Significance.

Literature cited by the submitters: PubMed 17576681; PubMed 9536098.

NM_001080467.3(MYO5B):c.756+5G>A

Gene: MYO5B (myosin VB; minus strand). Cytogenetic location: 18q21.1.
Variant type: single nucleotide variant.
Coding change: c.756+5G>A on transcript NM_001080467.3 (MANE Select); 5 bases into the intron after coding-DNA position 756, G replaced by A.
Molecular consequence: intron variant.
Genome position (GRCh38, 1-based): chr18:49,992,283, C>T on the plus strand (G>A on the coding strand, the complement: MYO5B is on the minus strand). VCF-style: chr18-49992283-C-T. GRCh37 (hg19) VCF-style: chr18-47518653-C-T.
Identifiers: ClinVar variation 1483003 (VCV001483003.3), dbSNP rs749623995, ClinGen allele CA8961803.